The following is an entry in ClinVar:

NM_153700.2(STRC):c.472C>T (p.Arg158Trp)

Gene: STRC (stereocilin; minus strand). Cytogenetic location: 15q15.3.
Variant type: single nucleotide variant.
Coding change: c.472C>T on transcript NM_153700.2 (MANE Select); coding-DNA position 472, C replaced by T.
Protein change: p.Arg158Trp; replaces arginine 158 with tryptophan.
Molecular consequence: missense variant.
Genome position (GRCh38, 1-based): chr15:43,617,949, G>A on the plus strand (C>T on the coding strand, the complement: STRC is on the minus strand). VCF-style: chr15-43617949-G-A. GRCh37 (hg19) VCF-style: chr15-43910147-G-A.
Other names: short protein forms R158W.
Identifiers: ClinVar variation 4979904 (VCV004979904.1).
Genomic context (GRCh38, chr15:43,617,949, plus strand): 5'-AAGGCAACCAGTCAGCAGCCAGGACACAGTCAGACGGCCCATCACGGGTGCATGGGGGCC[G>A]AGTTGGGGTAGGGGGGCCCCCAGGAACTAAGGCTCCCAGCAGCACCTCCACAAGTCCACC-3'
Protein context (NP_714544.1, residues 148-168): LVPGGPPTPT[Arg158Trp]PPCTRDGPSD

ClinVar aggregate classification (germline): Uncertain significance (1 of 4 stars; one submission).

Conditions:
STRC-related disorder. Also called: STRC-related condition.

Submission:

PreventionGenetics, part of Exact Sciences
Classification: Uncertain significance for STRC-related condition. Last evaluated: 2026-04-12. Review status: criteria provided, single submitter. Criteria: ACMG Guidelines, 2015. Collection method: clinical testing. Allele origin: germline.
Comment: The STRC c.472C>T variant is predicted to result in the amino acid substitution p.Arg158Trp. To our knowledge, this variant has not been reported in the literature. This variant is reported in 0.0098% of alleles in individuals of South Asian descent in gnomAD. At this time, the clinical significance of this variant is uncertain due to the absence of conclusive functional and genetic evidence.